The following is an entry in ClinVar:

NM_015311.3(OBSL1):c.3592T>C (p.Ser1198Pro)

Gene: OBSL1 (obscurin like cytoskeletal adaptor 1; minus strand). Cytogenetic location: 2q35.
Variant type: single nucleotide variant.
Coding change: c.3592T>C on transcript NM_015311.3 (MANE Select); coding-DNA position 3592, T replaced by C.
Protein change: p.Ser1198Pro; replaces serine 1198 with proline.
Molecular consequence: missense variant.
Genome position (GRCh38, 1-based): chr2:219,558,021, A>G on the plus strand (T>C on the coding strand, the complement: OBSL1 is on the minus strand). VCF-style: chr2-219558021-A-G. GRCh37 (hg19) VCF-style: chr2-220422743-A-G.
Other names: c.3592T>C, p.Ser1198Pro (NM_001173431.2); short protein forms S1198P.
Identifiers: ClinVar variation 1387999 (VCV001387999.4), dbSNP rs779251308, ClinGen allele CA2130811.

ClinVar aggregate classification (germline): Uncertain significance (1 of 4 stars; one submission).

Allele frequency attached by ClinVar (database versions not stated): ExAC 0.00001; gnomAD exomes 0.00001 and 0.00002; gnomAD 0.00014 and 0.00016; TOPMed 0.00051.

Submission:

Labcorp Genetics (formerly Invitae), Labcorp
Classification: Uncertain significance. Last evaluated: 2025-08-06. Review status: criteria provided, single submitter. Criteria: Invitae Variant Classification Sherloc (09022015). Collection method: clinical testing. Allele origin: germline.
Comment: This sequence change replaces serine, which is neutral and polar, with proline, which is neutral and non-polar, at codon 1198 of the OBSL1 protein (p.Ser1198Pro). This variant is present in population databases (rs779251308, gnomAD 0.006%). This variant has not been reported in the literature in individuals affected with OBSL1-related conditions. ClinVar contains an entry for this variant (Variation ID: 1387999). An algorithm developed to predict the effect of missense changes on protein structure and function (PolyPhen-2) suggests that this variant is likely to be disruptive. In summary, the available evidence is currently insufficient to determine the role of this variant in disease. Therefore, it has been classified as a Variant of Uncertain Significance.